The following is an entry in ClinVar:

NM_004304.5(ALK):c.633C>A (p.Ser211=)

Gene: ALK (ALK receptor tyrosine kinase; minus strand). Cytogenetic location: 2p23.1.
Variant type: single nucleotide variant.
Coding change: c.633C>A on transcript NM_004304.5 (MANE Select); coding-DNA position 633, C replaced by A.
Protein change: p.Ser211=; no amino-acid change (serine 211 retained).
Molecular consequence: synonymous variant.
Genome position (GRCh38, 1-based): chr2:29,920,027, G>T on the plus strand (C>A on the coding strand, the complement: ALK is on the minus strand). VCF-style: chr2-29920027-G-T. GRCh37 (hg19) VCF-style: chr2-30142893-G-T.
Identifiers: ClinVar variation 4085684 (VCV004085684.8).

ClinVar aggregate classification (germline): Likely benign (1 of 4 stars; one submission).

Submission:

CeGaT Center for Human Genetics Tuebingen
Classification: Likely benign. Last evaluated: 2025-08-01. Review status: criteria provided, single submitter. Criteria: CeGaT Center For Human Genetics Tuebingen Variant Classification Criteria Version 2. Collection method: clinical testing. Allele origin: germline. Affected: yes. Observed: 1 variant allele.
Comment: ALK: PM2:Supporting, BP4, BP7